The following is an entry in ClinVar:

ClinVar aggregate classification (germline): Pathogenic (1 of 4 stars; one submission).

Conditions:
Autosomal recessive spinocerebellar ataxia 12. Also called: SPINOCEREBELLAR ATAXIA WITH MENTAL RETARDATION AND EPILEPSY. Identifiers: Orphanet 284282, MedGen C3280452, MONDO:0013687, OMIM 614322.
Developmental and epileptic encephalopathy, 1 (DEE1). Also called: Epileptic encephalopathy, early infantile, 1; X-linked infantile spasms; West's syndrome; Tonic spasms with clustering, arrest of psychomotor development and hypsarrhythmia on EEG; X-Linked Infantile Spasm Syndrome; OHTAHARA SYNDROME, X-LINKED. Identifiers: MedGen C3463992, MONDO:0010632, OMIM 308350. Disease mechanism: loss of function.

Submission:

Labcorp Genetics (formerly Invitae), Labcorp
Classification: Pathogenic for Developmental and epileptic encephalopathy, 1; Autosomal recessive spinocerebellar ataxia 12. Last evaluated: 2024-01-22. Review status: criteria provided, single submitter. Criteria: Invitae Variant Classification Sherloc (09022015). Collection method: clinical testing. Allele origin: germline.
Comment: This variant is a gross deletion of the genomic region encompassing exon(s) 7-8 of the WWOX gene. While this deletion is not anticipated to lead to nonsense mediated decay, it is expected to disrupt the C-terminus of the protein. This variant has not been reported in the literature in individuals affected with WWOX-related conditions. This variant disrupts a region of the WWOX protein in which other variant(s) (p.Q354*) have been determined to be pathogenic (PMID: 29390993; Invitae). This suggests that this is a clinically significant region of the protein, and that variants that disrupt it are likely to be disease-causing. For these reasons, this variant has been classified as Pathogenic.

Literature cited by the submitters: PubMed 29390993.

NC_000016.10:g.(?_78424850)_(78432772_?)del

Gene: WWOX (WW domain containing oxidoreductase; plus strand). Cytogenetic location: 16q23.1.
Variant type: Deletion.
Identifiers: ClinVar variation 832198 (VCV000832198.10).